The following is an entry in ClinVar:

NM_022367.4(SEMA4A):c.884A>G (p.Gln295Arg)

Gene: SEMA4A (semaphorin 4A; plus strand). Cytogenetic location: 1q22.
Variant type: single nucleotide variant.
Coding change: c.884A>G on transcript NM_022367.4 (MANE Select); coding-DNA position 884, A replaced by G.
Protein change: p.Gln295Arg; replaces glutamine 295 with arginine.
Molecular consequence: missense variant.
Genome position (GRCh38, 1-based): chr1:156,161,419, A>G. VCF-style: chr1-156161419-A-G. GRCh37 (hg19) VCF-style: chr1-156131210-A-G.
Other names: c.884A>G, p.Gln295Arg (NM_001193300.2, NM_001193301.2, NM_001370567.1); c.488A>G, p.Gln163Arg (NM_001193302.2); c.587A>G, p.Gln196Arg (NM_001370568.1); c.377A>G, p.Gln126Arg (NM_001370569.1, NM_001370571.1); short protein forms Q126R, Q163R, Q295R, Q196R.
Identifiers: ClinVar variation 1935675 (VCV001935675.5), dbSNP rs778970194, ClinGen allele CA1155210.
Genomic context (GRCh38, chr1:156,161,419, plus strand): 5'-GCGAAAAGCTGCTGCAGAAGAAGTGGACCACCTTCCTGAAGGCCCAGCTGCTCTGCACCC[A>G]GCCGGGGCAGCTGCCCTTCAACGTCATCCGCCACGCGGTCCTGCTCCCCGCCGATTCTCC-3'
Protein context (NP_071762.2, residues 285-305): TFLKAQLLCT[Gln295Arg]PGQLPFNVIR

ClinVar aggregate classification (germline): Uncertain significance (1 of 4 stars; one submission).

gnomAD v4.1: 7 of 1,613,356 alleles (0.00043%); highest among the groups gnomAD compares: Non-Finnish European, 0.00051%; no homozygotes.

Submission:

Labcorp Genetics (formerly Invitae), Labcorp
Classification: Uncertain significance. Last evaluated: 2025-10-02. Review status: criteria provided, single submitter. Criteria: Invitae Variant Classification Sherloc (09022015). Collection method: clinical testing. Allele origin: germline.
Comment: This sequence change replaces glutamine, which is neutral and polar, with arginine, which is basic and polar, at codon 295 of the SEMA4A protein (p.Gln295Arg). This variant is present in population databases (rs778970194, gnomAD 0.0009%). This variant has not been reported in the literature in individuals affected with SEMA4A-related conditions. ClinVar contains an entry for this variant (Variation ID: 1935675). Invitae Evidence Modeling of protein sequence and biophysical properties (such as structural, functional, and spatial information, amino acid conservation, physicochemical variation, residue mobility, and thermodynamic stability) indicates that this missense variant is not expected to disrupt SEMA4A protein function with a negative predictive value of 80%. In summary, the available evidence is currently insufficient to determine the role of this variant in disease. Therefore, it has been classified as a Variant of Uncertain Significance.